The following is an entry in ClinVar:

NM_005546.4(ITK):c.455-1G>C

Gene: ITK (IL2 inducible T cell kinase; plus strand). Cytogenetic location: 5q33.3.
Variant type: single nucleotide variant.
Coding change: c.455-1G>C on transcript NM_005546.4 (MANE Select); the canonical splice acceptor site of the intron before coding-DNA position 455, G replaced by C.
Molecular consequence: splice acceptor variant.
Genome position (GRCh38, 1-based): chr5:157,217,866, G>C. VCF-style: chr5-157217866-G-C. GRCh37 (hg19) VCF-style: chr5-156644876-G-C.
Identifiers: ClinVar variation 4731821 (VCV004731821.1).
Genomic context (GRCh38, chr5:157,217,866, plus strand): 5'-TTCCGGTTGGGTCCATTAGTTTTCATGCTCATTTTTTCTTTTCCTGTTTTTCTCTTTTCA[G>C]CTTCAAAGAAGCCTCTTCCTCCTACTCCTGAAGACAACAGGGTGAGTGAGAGCGCTAGCT-3'

ClinVar aggregate classification (germline): Likely pathogenic (1 of 4 stars; one submission).

Conditions:
Lymphoproliferative syndrome 1 (LPFS1). Identifiers: Orphanet 238505, Orphanet 538963, MedGen C3552634, MONDO:0013081, OMIM 613011.

Submission:

Labcorp Genetics (formerly Invitae), Labcorp
Classification: Likely pathogenic for Lymphoproliferative syndrome 1. Last evaluated: 2025-12-01. Review status: criteria provided, single submitter. Criteria: Invitae Variant Classification Sherloc (09022015). Collection method: clinical testing. Allele origin: germline.
Comment: This sequence change affects an acceptor splice site in intron 4 of the ITK gene. It is expected to disrupt RNA splicing. Variants that disrupt the donor or acceptor splice site typically lead to a loss of protein function (PMID: 16199547), and loss-of-function variants in ITK are known to be pathogenic (PMID: 16860760, 22289921, 26056787). This variant is not present in population databases (gnomAD no frequency). This variant has not been reported in the literature in individuals affected with ITK-related conditions. Algorithms developed to predict the effect of sequence changes on RNA splicing suggest that this variant may disrupt the consensus splice site. In summary, the currently available evidence indicates that the variant is pathogenic, but additional data are needed to prove that conclusively. Therefore, this variant has been classified as Likely Pathogenic.

Literature cited by the submitters: PubMed 16199547; PubMed 16860760; PubMed 22289921; PubMed 26056787.